The following is an entry in ClinVar:

NM_001142800.2(EYS):c.9157del (p.Gln3053fs)

Genes: EYS (EGF-like photoreceptor maintenance factor; minus strand), PHF3 (PHD finger protein 3; plus strand). Cytogenetic location: 6q12.
Variant type: Deletion.
Coding change: c.9157del on transcript NM_001142800.2 (MANE Select); coding-DNA position 9157, one base deleted (C; older notation c.9157delC).
Protein change: p.Gln3053fs; shifts the reading frame from glutamine 3053.
Molecular consequence: frameshift variant. On other transcripts: 3 prime UTR variant (5).
Genome position (GRCh38, 1-based): chr6:63,720,874, G deleted on the plus strand (C on the coding strand, the reverse complement: EYS is on the minus strand). VCF-style (leftmost placement, unchanged base first): chr6-63720873-TG-T. GRCh37 (hg19) VCF-style: chr6-64430769-TG-T.
Other names: c.*7166del (NM_001290259.2, NM_001370348.2, NM_001370349.2 and 2 more transcripts); c.9220del, p.Gln3074fs (NM_001292009.2); short protein forms Q3053fs, Q3074fs.
Identifiers: ClinVar variation 2734090 (VCV002734090.3), dbSNP rs2533386940, ClinGen allele CA1089788365.

ClinVar aggregate classification (germline): Pathogenic (1 of 4 stars; one submission).

Allele frequency attached by ClinVar (database versions not stated): gnomAD 0.00001.

Submission:

Labcorp Genetics (formerly Invitae), Labcorp
Classification: Pathogenic. Last evaluated: 2024-05-09. Review status: criteria provided, single submitter. Criteria: Invitae Variant Classification Sherloc (09022015). Collection method: clinical testing. Allele origin: germline.
Comment: This sequence change creates a premature translational stop signal (p.Gln3053Argfs*8) in the EYS gene. While this is not anticipated to result in nonsense mediated decay, it is expected to disrupt the last 92 amino acid(s) of the EYS protein. This variant is not present in population databases (gnomAD no frequency). This variant has not been reported in the literature in individuals affected with EYS-related conditions. This variant disrupts a region of the EYS protein in which other variant(s) (p.Tyr3135*) have been determined to be pathogenic (PMID: 18976725, 29159838, 30337596, 31074760). This suggests that this is a clinically significant region of the protein, and that variants that disrupt it are likely to be disease-causing. For these reasons, this variant has been classified as Pathogenic.

Literature cited by the submitters: PubMed 18976725; PubMed 29159838; PubMed 30337596; PubMed 31074760.